The following is an entry in ClinVar:

ClinVar aggregate classification (germline): Uncertain significance (1 of 4 stars; one submission).

gnomAD v4.1: 1 of 1,614,140 alleles (0.000062%); highest among the groups gnomAD compares: Non-Finnish European, 0.000085%; no homozygotes.

Submission:

Ambry Genetics
Classification: Uncertain significance. Last evaluated: 2025-06-06. Review status: criteria provided, single submitter. Criteria: Ambry Variant Classification Scheme 2023. Collection method: clinical testing. Allele origin: germline.
Comment: The p.Q130R variant (also known as c.389A>G), located in coding exon 3 of the GEN1 gene, results from an A to G substitution at nucleotide position 389. The glutamine at codon 130 is replaced by arginine, an amino acid with highly similar properties. This amino acid position is conserved. In addition, this alteration is predicted to be tolerated by in silico analysis. Based on the available evidence, the clinical significance of this variant remains unclear.

NM_001130009.3(GEN1):c.389A>G (p.Gln130Arg)

Gene: GEN1 (GEN1 Holliday junction 5' flap endonuclease; plus strand). Cytogenetic location: 2p24.2.
Variant type: single nucleotide variant.
Coding change: c.389A>G on transcript NM_001130009.3 (MANE Select); coding-DNA position 389, A replaced by G.
Protein change: p.Gln130Arg; replaces glutamine 130 with arginine.
Molecular consequence: missense variant.
Genome position (GRCh38, 1-based): chr2:17,764,937, A>G. VCF-style: chr2-17764937-A-G. GRCh37 (hg19) VCF-style: chr2-17946204-A-G.
Other names: c.389A>G, p.Gln130Arg (NM_182625.5); short protein forms Q130R.
Identifiers: ClinVar variation 4029329 (VCV004029329.1).